The following is an entry in ClinVar:

ClinVar aggregate classification (germline): Uncertain significance. Review status: criteria provided, multiple submitters, no conflicts (2 of 4 stars). 2 submissions from 2 submitters: Uncertain significance (2). Last evaluated 2025-06-02.

Conditions:
Hereditary cancer-predisposing syndrome. Also called: Neoplastic Syndromes, Hereditary; Hereditary Cancer Syndrome; Hereditary neoplastic syndrome; Tumor predisposition. Identifiers: Orphanet 140162, MedGen C0027672, MeSH D009386, MONDO:0015356.
Multiple endocrine neoplasia, type 2 (MEN2). Identifiers: Orphanet 653, MedGen C4048306, MONDO:0019003. Disease mechanism: gain of function.

Allele frequency attached by ClinVar (database versions not stated): gnomAD 0.00001; TOPMed 0.00001.
gnomAD v4.1: 1 of 1,614,016 alleles (0.000062%); highest among the groups gnomAD compares: African/African-American, 0.0013%; no homozygotes.

Submissions (2):

Ambry Genetics
Classification: Uncertain significance for Hereditary cancer-predisposing syndrome. Last evaluated: 2025-06-02. Review status: criteria provided, single submitter. Criteria: Ambry Variant Classification Scheme 2023. Collection method: clinical testing. Allele origin: germline.
Comment: The p.D1017E variant (also known as c.3051C>G), located in coding exon 19 of the RET gene, results from a C to G substitution at nucleotide position 3051. The aspartic acid at codon 1017 is replaced by glutamic acid, an amino acid with highly similar properties. This amino acid position is conserved. In addition, the in silico prediction for this alteration is inconclusive. Based on the available evidence, the clinical significance of this variant remains unclear.

Labcorp Genetics (formerly Invitae), Labcorp
Classification: Uncertain significance for Multiple endocrine neoplasia, type 2. Last evaluated: 2024-09-23. Review status: criteria provided, single submitter. Criteria: Invitae Variant Classification Sherloc (09022015). Collection method: clinical testing. Allele origin: germline.
Comment: This sequence change replaces aspartic acid, which is acidic and polar, with glutamic acid, which is acidic and polar, at codon 1017 of the RET protein (p.Asp1017Glu). This variant is present in population databases (no rsID available, gnomAD 0.007%). This variant has not been reported in the literature in individuals affected with RET-related conditions. ClinVar contains an entry for this variant (Variation ID: 1058279). An algorithm developed to predict the effect of missense changes on protein structure and function (PolyPhen-2) suggests that this variant is likely to be tolerated. In summary, the available evidence is currently insufficient to determine the role of this variant in disease. Therefore, it has been classified as a Variant of Uncertain Significance.

NM_020975.6(RET):c.3051C>G (p.Asp1017Glu)

Gene: RET (ret proto-oncogene; plus strand). Cytogenetic location: 10q11.21.
Variant type: single nucleotide variant.
Coding change: c.3051C>G on transcript NM_020975.6 (MANE Select); coding-DNA position 3051, C replaced by G.
Protein change: p.Asp1017Glu; replaces aspartic acid 1017 with glutamic acid.
Molecular consequence: missense variant.
Genome position (GRCh38, 1-based): chr10:43,126,586, C>G. VCF-style: chr10-43126586-C-G. GRCh37 (hg19) VCF-style: chr10-43622034-C-G.
Other names: c.3051C>G, p.Asp1017Glu (NM_000323.2, NM_001406743.1, NM_001406744.1 and 4 more transcripts); c.2289C>G, p.Asp763Glu (NM_001355216.2); c.2922C>G, p.Asp974Glu (NM_001406761.1, NM_001406762.1, NM_001406764.1); c.2916C>G, p.Asp972Glu (NM_001406763.1, NM_001406765.1); c.2763C>G, p.Asp921Glu (NM_001406766.1, NM_001406767.1, NM_001406770.1); c.2787C>G, p.Asp929Glu (NM_001406768.1); c.2655C>G, p.Asp885Glu (NM_001406769.1, NM_001406772.1); c.2613C>G, p.Asp871Glu (NM_001406771.1, NM_001406773.1); and 10 more; short protein forms D1017E, D763E, D622E, D842E, D871E, D885E, D972E, D974E.
Identifiers: ClinVar variation 1058279 (VCV001058279.11), dbSNP rs993057046, ClinGen allele CA206267820.